The following is an entry in ClinVar:

ClinVar aggregate classification (germline): Pathogenic. Review status: criteria provided, multiple submitters, no conflicts (2 of 4 stars). 3 submissions from 3 submitters: Pathogenic (3). Last evaluated 2024-12-18.

Conditions:
Hereditary cancer-predisposing syndrome. Also called: Neoplastic Syndromes, Hereditary; Tumor predisposition; Hereditary Cancer Syndrome; Hereditary neoplastic syndrome. Identifiers: Orphanet 140162, MedGen C0027672, MeSH D009386, MONDO:0015356.
Familial cancer of breast. Also called: BREAST CANCER, FAMILIAL; Hereditary breast cancer; hereditary breast carcinoma. Identifiers: Orphanet 227535, MedGen C0346153, MONDO:0016419, OMIM 114480. Disease mechanism: loss of function.

Submissions (3):

Labcorp Genetics (formerly Invitae), Labcorp
Classification: Pathogenic for Familial cancer of breast. Last evaluated: 2024-12-18. Review status: criteria provided, single submitter. Criteria: Invitae Variant Classification Sherloc (09022015). Collection method: clinical testing. Allele origin: germline.
Comment: This sequence change creates a premature translational stop signal (p.Ser210*) in the CHEK2 gene. It is expected to result in an absent or disrupted protein product. Loss-of-function variants in CHEK2 are known to be pathogenic (PMID: 21876083, 24713400). This variant is not present in population databases (gnomAD no frequency). This premature translational stop signal has been observed in individual(s) with breast cancer (PMID: 28724667). ClinVar contains an entry for this variant (Variation ID: 481728). For these reasons, this variant has been classified as Pathogenic.

Myriad Genetics, Inc.
Classification: Pathogenic for Familial cancer of breast. Last evaluated: 2023-06-26. Review status: criteria provided, single submitter. Criteria: Myriad Autosomal Dominant, Autosomal Recessive and X-Linked Classification Criteria (2023). Collection method: clinical testing. Allele origin: unknown.
Comment: This variant is considered pathogenic. This variant creates a termination codon and is predicted to result in premature protein truncation.

Ambry Genetics
Classification: Pathogenic for Hereditary cancer-predisposing syndrome. Last evaluated: 2021-01-20. Review status: criteria provided, single submitter. Criteria: Ambry Variant Classification Scheme 2023. Collection method: clinical testing. Allele origin: germline.
Comment: The p.S210* pathogenic mutation (also known as c.629C>G), located in coding exon 4 of the CHEK2 gene, results from a C to G substitution at nucleotide position 629. This changes the amino acid from a serine to a stop codon within coding exon 4. This alteration is expected to result in loss of function by premature protein truncation or nonsense-mediated mRNA decay. As such, this alteration is interpreted as a disease-causing mutation.

Literature cited by the submitters: PubMed 21876083 (cited by Labcorp Genetics (formerly Invitae), Labcorp); PubMed 24713400 (cited by Labcorp Genetics (formerly Invitae), Labcorp); PubMed 28724667 (cited by Labcorp Genetics (formerly Invitae), Labcorp).

NM_007194.4(CHEK2):c.629C>G (p.Ser210Ter)

Gene: CHEK2 (checkpoint kinase 2; minus strand). Cytogenetic location: 22q12.1.
Variant type: single nucleotide variant.
Coding change: c.629C>G on transcript NM_007194.4 (MANE Select); coding-DNA position 629, C replaced by G.
Protein change: p.Ser210Ter; replaces serine 210 with a stop codon.
Molecular consequence: nonsense. On other transcripts: 5 prime UTR variant (2), intron variant (1).
Genome position (GRCh38, 1-based): chr22:28,719,449, G>C on the plus strand (C>G on the coding strand, the complement: CHEK2 is on the minus strand). VCF-style: chr22-28719449-G-C. GRCh37 (hg19) VCF-style: chr22-29115437-G-C.
Other names: c.758C>G, p.Ser253Ter (NM_001005735.3, NM_001438294.1); c.-35C>G (NM_001257387.3, NM_001437942.1); c.722C>G, p.Ser241Ter (NM_001438293.1, NM_001438295.1); c.629C>G, p.Ser210Ter (NM_145862.3); c.482+5437C>G (NM_001349956.3); short protein forms S210*, S253*, S241*.
Identifiers: ClinVar variation 481728 (VCV000481728.15), dbSNP rs767253467, ClinGen allele CA411105055.